The following is an entry in ClinVar:

ClinVar aggregate classification (germline): Uncertain significance (1 of 4 stars; one submission).

Allele frequency attached by ClinVar (database versions not stated): gnomAD exomes below 0.00001; gnomAD 0.00001; TOPMed below 0.00001.

Submission:

Labcorp Genetics (formerly Invitae), Labcorp
Classification: Uncertain significance. Last evaluated: 2025-02-24. Review status: criteria provided, single submitter. Criteria: Invitae Variant Classification Sherloc (09022015). Collection method: clinical testing. Allele origin: germline.
Comment: This sequence change replaces alanine, which is neutral and non-polar, with valine, which is neutral and non-polar, at codon 602 of the KIAA1161 protein (p.Ala602Val). This variant is not present in population databases (gnomAD no frequency). This variant has not been reported in the literature in individuals affected with KIAA1161-related conditions. ClinVar contains an entry for this variant (Variation ID: 2120290). Invitae Evidence Modeling of protein sequence and biophysical properties (such as structural, functional, and spatial information, amino acid conservation, physicochemical variation, residue mobility, and thermodynamic stability) indicates that this missense variant is not expected to disrupt KIAA1161 protein function with a negative predictive value of 80%. In summary, the available evidence is currently insufficient to determine the role of this variant in disease. Therefore, it has been classified as a Variant of Uncertain Significance.

NM_020702.5(MYORG):c.1805C>T (p.Ala602Val)

Gene: MYORG (myogenesis regulating glycosidase; minus strand). Cytogenetic location: 9p13.3.
Variant type: single nucleotide variant.
Coding change: c.1805C>T on transcript NM_020702.5 (MANE Select); coding-DNA position 1805, C replaced by T.
Protein change: p.Ala602Val; replaces alanine 602 with valine.
Molecular consequence: missense variant.
Genome position (GRCh38, 1-based): chr9:34,371,139, G>A on the plus strand (C>T on the coding strand, the complement: MYORG is on the minus strand). VCF-style: chr9-34371139-G-A. GRCh37 (hg19) VCF-style: chr9-34371137-G-A.
Other names: short protein forms A602V.
Identifiers: ClinVar variation 2120290 (VCV002120290.4), dbSNP rs1374622197, ClinGen allele CA373239897.